The following is an entry in ClinVar:

NM_001122630.2(CDKN1C):c.438C>T (p.Ala146=)

Gene: CDKN1C (cyclin dependent kinase inhibitor 1C; minus strand). Cytogenetic location: 11p15.4.
Variant type: single nucleotide variant.
Coding change: c.438C>T on transcript NM_001122630.2 (MANE Select); coding-DNA position 438, C replaced by T.
Protein change: p.Ala146=; no amino-acid change (alanine 146 retained).
Molecular consequence: synonymous variant. On other transcripts: intron variant (1).
Genome position (GRCh38, 1-based): chr11:2,885,019, G>A on the plus strand (C>T on the coding strand, the complement: CDKN1C is on the minus strand). VCF-style: chr11-2885019-G-A. GRCh37 (hg19) VCF-style: chr11-2906249-G-A.
Other names: c.471C>T, p.Ala157= (NM_000076.2, NM_001362474.2); c.438C>T, p.Ala146= (NM_001122631.2); c.255+183C>T (NM_001362475.2).
Identifiers: ClinVar variation 1088034 (VCV001088034.21), dbSNP rs1848951746, ClinGen allele CA472832980.

ClinVar aggregate classification (germline): Likely benign. Review status: criteria provided, multiple submitters, no conflicts (2 of 4 stars). 2 submissions from 2 submitters: Likely benign (2). Last evaluated 2025-07-22.

Conditions:
Beckwith-Wiedemann syndrome (BWS). Also called: Exomphalos macroglossia gigantism syndrome; EMG SYNDROME. Identifiers: Orphanet 116, MedGen C0004903, MONDO:0007534, OMIM 130650.

Allele frequency attached by ClinVar (database versions not stated): gnomAD exomes below 0.00001.
gnomAD v4.1: 2 of 1,248,670 alleles (0.00016%); highest among the groups gnomAD compares: Non-Finnish European, 0.0002%; no homozygotes.

Submissions (2):

Labcorp Genetics (formerly Invitae), Labcorp
Classification: Likely benign for Beckwith-Wiedemann syndrome. Last evaluated: 2025-07-22. Review status: criteria provided, single submitter. Criteria: Invitae Variant Classification Sherloc (09022015). Collection method: clinical testing. Allele origin: germline.

CeGaT Center for Human Genetics Tuebingen
Classification: Likely benign. Last evaluated: 2024-11-01. Review status: criteria provided, single submitter. Criteria: CeGaT Center For Human Genetics Tuebingen Variant Classification Criteria Version 2. Collection method: clinical testing. Allele origin: germline. Affected: yes. Observed: 2 variant alleles.
Comment: CDKN1C: BP4, BP7